The following is an entry in ClinVar:

ClinVar aggregate classification (germline): Pathogenic/Likely pathogenic. Review status: criteria provided, multiple submitters, no conflicts (2 of 4 stars). 2 submissions from 2 submitters: Pathogenic (1); Likely pathogenic (1). Last evaluated 2023-12-15.

Conditions:
Neurofibromatosis, type 1 (NF1). Also called: NEUROFIBROMATOSIS, TYPE I, SOMATIC; VON RECKLINGHAUSEN DISEASE; Peripheral type neurofibromatosis; Neurofibromatosis, type I. Identifiers: Orphanet 636, MedGen C0027831, MONDO:0018975, OMIM 162200. Disease mechanism: loss of function.

Submissions (2):

Labcorp Genetics (formerly Invitae), Labcorp
Classification: Pathogenic for Neurofibromatosis, type 1. Last evaluated: 2023-12-15. Review status: criteria provided, single submitter. Criteria: Invitae Variant Classification Sherloc (09022015). Collection method: clinical testing. Allele origin: germline.
Comment: This sequence change affects a donor splice site in intron 16 of the NF1 gene. It is expected to disrupt RNA splicing. Variants that disrupt the donor or acceptor splice site typically lead to a loss of protein function (PMID: 16199547), and loss-of-function variants in NF1 are known to be pathogenic (PMID: 10712197, 23913538). This variant is not present in population databases (gnomAD no frequency). Disruption of this splice site has been observed in individual(s) with NF1-related conditions (PMID: 31573083). ClinVar contains an entry for this variant (Variation ID: 547602). Algorithms developed to predict the effect of sequence changes on RNA splicing suggest that this variant may disrupt the consensus splice site. For these reasons, this variant has been classified as Pathogenic.

Center for Human Genetics, Inc
Classification: Likely pathogenic for Neurofibromatosis, type 1. Last evaluated: 2016-11-01. Review status: criteria provided, single submitter. Criteria: ACMG Guidelines, 2015. Collection method: clinical testing. Allele origin: germline. Affected: yes.

Literature cited by the submitters: PubMed 16199547 (cited by Labcorp Genetics (formerly Invitae), Labcorp); PubMed 10712197 (cited by Labcorp Genetics (formerly Invitae), Labcorp); PubMed 23913538 (cited by Labcorp Genetics (formerly Invitae), Labcorp); PubMed 31573083 (cited by Labcorp Genetics (formerly Invitae), Labcorp).

NM_001042492.3(NF1):c.1845+2T>C

Gene: NF1 (neurofibromin 1; plus strand). Cytogenetic location: 17q11.2.
Variant type: single nucleotide variant.
Coding change: c.1845+2T>C on transcript NM_001042492.3 (MANE Select); the canonical splice donor site of the intron after coding-DNA position 1845, T replaced by C.
Molecular consequence: splice donor variant.
Genome position (GRCh38, 1-based): chr17:31,223,569, T>C. VCF-style: chr17-31223569-T-C. GRCh37 (hg19) VCF-style: chr17-29550587-T-C.
Other names: c.1845+2T>C (NM_000267.4).
Identifiers: ClinVar variation 547602 (VCV000547602.4), dbSNP rs1555613430, ClinGen allele CA399004795.